The following is an entry in ClinVar:

NM_198428.3(BBS9):c.2642C>A (p.Pro881His)

Gene: BBS9 (Bardet-Biedl syndrome 9; plus strand). Cytogenetic location: 7p14.3.
Variant type: single nucleotide variant.
Coding change: c.2642C>A on transcript NM_198428.3 (MANE Select); coding-DNA position 2642, C replaced by A.
Protein change: p.Pro881His; replaces proline 881 with histidine.
Molecular consequence: missense variant. On other transcripts: non-coding transcript variant (3), intron variant (2).
Genome position (GRCh38, 1-based): chr7:33,605,204, C>A. VCF-style: chr7-33605204-C-A. GRCh37 (hg19) VCF-style: chr7-33644816-C-A.
Other names: c.2537C>A, p.Pro846His (NM_001033604.2); c.2627C>A, p.Pro876His (NM_001033605.2); c.2642C>A, p.Pro881His (NM_001348036.1); c.2093C>A, p.Pro698His (NM_001348037.3); c.2369C>A, p.Pro790His (NM_001348038.3); c.2264C>A, p.Pro755His (NM_001348039.3); c.2519C>A, p.Pro840His (NM_001348040.3); c.2507C>A, p.Pro836His (NM_001348042.3); and 6 more; short protein forms P698H, P724H, P755H, P759H, P790H, P836H, P840H, P841H.
Identifiers: ClinVar variation 3353246 (VCV003353246.2).

ClinVar aggregate classification (germline): Uncertain significance. Review status: criteria provided, single submitter (1 of 4 stars). 2 submissions from 2 submitters: Uncertain significance (1). 1 of the submissions does not count toward it. Last evaluated 2024-03-18.

Conditions:
Bardet-Biedl syndrome 9 (BBS9). Identifiers: Orphanet 110, MedGen C1859567, MONDO:0014437, OMIM 615986.
BBS9-related disorder. Also called: BBS9-related condition.

gnomAD v4.1: 18 of 1,612,564 alleles (0.0011%); highest among the groups gnomAD compares: African/African-American, 0.0027%; no homozygotes.

Submissions (2):

Fulgent Genetics
Classification: Uncertain significance for Bardet-Biedl syndrome 9. Last evaluated: 2024-03-18. Review status: criteria provided, single submitter. Criteria: ACMG Guidelines, 2015. Collection method: clinical testing. Allele origin: germline.

PreventionGenetics, part of Exact Sciences
Classification: Uncertain significance for BBS9-related condition. Last evaluated: 2024-03-19. Review status: no assertion criteria provided. Collection method: clinical testing. Allele origin: germline. Not counted in ClinVar's aggregate classification.
Comment: The BBS9 c.2642C>A variant is predicted to result in the amino acid substitution p.Pro881His. To our knowledge, this variant has not been reported in the literature. This variant is reported in 0.0080% of alleles in individuals of African descent in gnomAD. At this time, the clinical significance of this variant is uncertain due to the absence of conclusive functional and genetic evidence.